The following is an entry in ClinVar:

ClinVar aggregate classification (germline): Uncertain significance (1 of 4 stars; one submission).

Conditions:
Purine-nucleoside phosphorylase deficiency. Also called: NUCLEOSIDE PHOSPHORYLASE DEFICIENCY; Immunodeficiency due to purine nucleoside phosphorylase deficiency. Identifiers: Orphanet 760, MedGen C0268125, MONDO:0013171, OMIM 613179.

Allele frequency attached by ClinVar (database versions not stated): ExAC 0.00001.
gnomAD v4.1: 10 of 1,614,206 alleles (0.00062%); highest among the groups gnomAD compares: Non-Finnish European, 0.00085%; no homozygotes.

Submission:

Labcorp Genetics (formerly Invitae), Labcorp
Classification: Uncertain significance for Purine-nucleoside phosphorylase deficiency. Last evaluated: 2022-06-26. Review status: criteria provided, single submitter. Criteria: Invitae Variant Classification Sherloc (09022015). Collection method: clinical testing. Allele origin: germline.
Comment: In summary, the available evidence is currently insufficient to determine the role of this variant in disease. Therefore, it has been classified as a Variant of Uncertain Significance. This variant disrupts the p.Gly190 amino acid residue in PNP. Other variant(s) that disrupt this residue have been determined to be pathogenic (PMID: 9067751, 22132981; Invitae). This suggests that this residue is clinically significant, and that variants that disrupt this residue are likely to be disease-causing. Algorithms developed to predict the effect of missense changes on protein structure and function are either unavailable or do not agree on the potential impact of this missense change (SIFT: "Deleterious"; PolyPhen-2: "Probably Damaging"; Align-GVGD: "Class C0"). This variant has not been reported in the literature in individuals affected with PNP-related conditions. This variant is present in population databases (rs759788618, gnomAD 0.0009%). This sequence change replaces glycine, which is neutral and non-polar, with serine, which is neutral and polar, at codon 190 of the PNP protein (p.Gly190Ser).

Literature cited by the submitters: PubMed 9067751; PubMed 22132981.

NM_000270.4(PNP):c.568G>A (p.Gly190Ser)

Gene: PNP (purine nucleoside phosphorylase; plus strand). Cytogenetic location: 14q11.2.
Variant type: single nucleotide variant.
Coding change: c.568G>A on transcript NM_000270.4 (MANE Select); coding-DNA position 568, G replaced by A.
Protein change: p.Gly190Ser; replaces glycine 190 with serine.
Molecular consequence: missense variant.
Genome position (GRCh38, 1-based): chr14:20,475,168, G>A. VCF-style: chr14-20475168-G-A. GRCh37 (hg19) VCF-style: chr14-20943327-G-A.
Other names: short protein forms G190S.
Identifiers: ClinVar variation 1902490 (VCV001902490.4), dbSNP rs759788618, ClinGen allele CA7082170.
Genomic context (GRCh38, chr14:20,475,168, plus strand): 5'-ATGAGGCAGAGGGCTCTCAGTACCTGGAAACAAATGGGGGAGCAACGTGAGCTACAGGAA[G>A]GCACCTATGTGATGGTGGCAGGCCCCAGCTTTGAGACTGTGGCAGAATGTCGTGTGCTGC-3'
Protein context (NP_000261.2, residues 180-200): QMGEQRELQE[Gly190Ser]TYVMVAGPSF